The following is an entry in ClinVar:

ClinVar aggregate classification (germline): Pathogenic (1 of 4 stars; one submission).

Conditions:
Deficiency of alpha-mannosidase (MANSA). Also called: LYSOSOMAL ALPHA-D-MANNOSIDASE DEFICIENCY; Alpha-Mannosidosis; Mannosidosis, alpha-, types I and II. Identifiers: Orphanet 61, MedGen C0024748, MONDO:0009561, OMIM 248500.

Submission:

Myriad Genetics, Inc.
Classification: Pathogenic for Deficiency of alpha-mannosidase. Last evaluated: 2023-08-10. Review status: criteria provided, single submitter. Criteria: Myriad Autosomal Dominant, Autosomal Recessive and X-Linked Classification Criteria (2023). Collection method: clinical testing. Allele origin: unknown.
Comment: NM_000528.3(MAN2B1):c.246del1ins20(Q83Hfs*5) is expected to be pathogenic in the context of alpha-mannosidosis. This variant is predicted to lead to an abnormal or absent protein product due to the creation of a premature termination codon in MAN2B1, a gene where loss-of-function variants are known to be pathogenic. Please note: this variant was assessed in the context of healthy population screening.

NM_000528.4(MAN2B1):c.246delinsTCACAGATGTGTATAAGAGA (p.Asp82_Gln83insHisArgCysValTer)

Gene: MAN2B1 (mannosidase alpha class 2B member 1; minus strand). Cytogenetic location: 19p13.13.
Variant type: Indel.
Coding change: c.246delinsTCACAGATGTGTATAAGAGA on transcript NM_000528.4 (MANE Select); coding-DNA position 246, C replaced by TCACAGATGTGTATAAGAGA.
Protein change: p.Asp82_Gln83insHisArgCysValTer.
Molecular consequence: nonsense.
Genome position (GRCh38, 1-based): chr19:12,665,719, G replaced by TCTCTTATACACATCTGTGA on the plus strand (C replaced by TCACAGATGTGTATAAGAGA on the coding strand, the reverse complement: MAN2B1 is on the minus strand). VCF-style: chr19-12665719-G-TCTCTTATACACATCTGTGA. GRCh37 (hg19) VCF-style: chr19-12776533-G-TCTCTTATACACATCTGTGA.
Other names: c.246delinsTCACAGATGTGTATAAGAGA, p.Asp82_Gln83insHisArgCysValTer (NM_001173498.2, NM_001440570.1).
Identifiers: ClinVar variation 5011311 (VCV005011311.1).